The following is an entry in ClinVar:

ClinVar aggregate classification (germline): Uncertain significance. Review status: criteria provided, multiple submitters, no conflicts (2 of 4 stars). 2 submissions from 2 submitters: Uncertain significance (2). Last evaluated 2023-12-06.

Conditions:
Inborn genetic diseases. Identifiers: MedGen C0950123, MeSH D030342.
Bethlem myopathy 1A. Also called: MYOPATHY, BENIGN CONGENITAL, WITH CONTRACTURES; Bethlem Muscular Dystrophy; Bethlem myopathy 1. Identifiers: Orphanet 610, MedGen CN029274, MONDO:0024530, OMIM 158810.

Allele frequency attached by ClinVar (database versions not stated): TOPMed below 0.00001; gnomAD 0.00001; gnomAD exomes 0.00001; ExAC 0.00002.
gnomAD v4.1: 13 of 1,614,098 alleles (0.00081%); highest among the groups gnomAD compares: Non-Finnish European, 0.00093%; no homozygotes.

Submissions (2):

Labcorp Genetics (formerly Invitae), Labcorp
Classification: Uncertain significance for Bethlem myopathy 1A. Last evaluated: 2023-12-06. Review status: criteria provided, single submitter. Criteria: Invitae Variant Classification Sherloc (09022015). Collection method: clinical testing. Allele origin: germline.
Comment: This sequence change replaces valine, which is neutral and non-polar, with isoleucine, which is neutral and non-polar, at codon 1728 of the COL6A3 protein (p.Val1728Ile). This variant is present in population databases (rs772640905, gnomAD 0.002%). This variant has not been reported in the literature in individuals affected with COL6A3-related conditions. ClinVar contains an entry for this variant (Variation ID: 1418258). Advanced modeling of protein sequence and biophysical properties (such as structural, functional, and spatial information, amino acid conservation, physicochemical variation, residue mobility, and thermodynamic stability) performed at Invitae indicates that this missense variant is not expected to disrupt COL6A3 protein function with a negative predictive value of 95%. In summary, the available evidence is currently insufficient to determine the role of this variant in disease. Therefore, it has been classified as a Variant of Uncertain Significance.

Ambry Genetics
Classification: Uncertain significance for Inborn genetic diseases. Last evaluated: 2023-05-17. Review status: criteria provided, single submitter. Criteria: Ambry Variant Classification Scheme 2023. Collection method: clinical testing. Allele origin: germline.

NM_004369.4(COL6A3):c.5182G>A (p.Val1728Ile)

Gene: COL6A3 (collagen type VI alpha 3 chain; minus strand). Cytogenetic location: 2q37.3.
Variant type: single nucleotide variant.
Coding change: c.5182G>A on transcript NM_004369.4 (MANE Select); coding-DNA position 5182, G replaced by A.
Protein change: p.Val1728Ile; replaces valine 1728 with isoleucine.
Molecular consequence: missense variant.
Genome position (GRCh38, 1-based): chr2:237,367,005, C>T on the plus strand (G>A on the coding strand, the complement: COL6A3 is on the minus strand). VCF-style: chr2-237367005-C-T. GRCh37 (hg19) VCF-style: chr2-238275648-C-T.
Other names: c.5182G>A (NM_004369.3); c.3361G>A, p.Val1121Ile (NM_057166.5); c.4564G>A, p.Val1522Ile (NM_057167.4); short protein forms V1121I, V1522I, V1728I.
Identifiers: ClinVar variation 1418258 (VCV001418258.8), dbSNP rs772640905, ClinGen allele CA2188721.